The following is an entry in ClinVar:

GRCh37/hg19 2q34-37.3(chr2:210779657-239879183)x3

Genes: AAMP (angio associated migratory cell protein; minus strand), ABCA12 (ATP binding cassette subfamily A member 12; minus strand), ABCB6 (ATP binding cassette subfamily B member 6 (LAN blood group); minus strand), ACADL (acyl-CoA dehydrogenase long chain; minus strand), ACKR3 (atypical chemokine receptor 3; plus strand) and 194 more. Cytogenetic location: 2q34-37.3.
Variant type: copy number gain.
Change: copy number 3 (three copies instead of two) of chr2:210,779,657-239,879,183 (29.10 Mb, GRCh37 coordinates, 1-based), cytogenetic band 2q34-37.3.
Identifiers: ClinVar variation 638100 (VCV000638100.2).

ClinVar aggregate classification (germline): Pathogenic (1 of 4 stars; one submission).

Submission:

Clinical Genomics Laboratory, Laboratory for Precision Diagnostics, University of Washington
Classification: Pathogenic. Last evaluated: 2018-07-20. Review status: criteria provided, single submitter. Criteria: Clinical Cytogenomics Laboratory Policy on CNV Interpretation. Collection method: clinical testing. Allele origin: unknown. Affected: yes. Observed: 1 variant allele.

Literature cited by the submitters: PubMed 27216161; PubMed 20799321.